The following is an entry in ClinVar:

NM_001042492.3(NF1):c.6864A>G (p.Gln2288=)

Gene: NF1 (neurofibromin 1; plus strand). Cytogenetic location: 17q11.2.
Variant type: single nucleotide variant.
Coding change: c.6864A>G on transcript NM_001042492.3 (MANE Select); coding-DNA position 6864, A replaced by G.
Protein change: p.Gln2288=; no amino-acid change (glutamine 2288 retained).
Molecular consequence: synonymous variant.
Genome position (GRCh38, 1-based): chr17:31,338,748, A>G. VCF-style: chr17-31338748-A-G. GRCh37 (hg19) VCF-style: chr17-29665766-A-G.
Other names: c.6801A>G, p.Gln2267= (NM_000267.4).
Identifiers: ClinVar variation 420870 (VCV000420870.20), dbSNP rs1064794756, ClinGen allele CA16620374.
Genomic context (GRCh38, chr17:31,338,748, plus strand): 5'-TCTGTTTTCCTAAAAGGCACTTGAGAGTTGCTTAAAAGGACCTGACACTTACAACAGTCA[A>G]GTTCTGATAGAAGCTACAGTAATAGCACTAACCAAATTACAGCCACTTCTTAATAAGGTA-3'
Protein context (NP_001035957.1, residues 2278-2298): CLKGPDTYNS[Gln2288=]VLIEATVIAL

ClinVar aggregate classification (germline): Pathogenic/Likely pathogenic. Review status: criteria provided, multiple submitters, no conflicts (2 of 4 stars). 6 submissions from 6 submitters: Pathogenic (4); Likely pathogenic (2). Last evaluated 2026-08-20.

Conditions:
Cardiovascular phenotype. Identifiers: MedGen CN230736.
Hereditary cancer-predisposing syndrome. Also called: Hereditary Cancer Syndrome; Tumor predisposition; Hereditary neoplastic syndrome; Neoplastic Syndromes, Hereditary. Identifiers: Orphanet 140162, MedGen C0027672, MeSH D009386, MONDO:0015356.
Neurofibromatosis, type 1 (NF1). Also called: Neurofibromatosis, type I; Peripheral type neurofibromatosis; VON RECKLINGHAUSEN DISEASE; NEUROFIBROMATOSIS, TYPE I, SOMATIC. Identifiers: Orphanet 636, MedGen C0027831, MONDO:0018975, OMIM 162200. Disease mechanism: loss of function.
Neurofibromatosis-Noonan syndrome (NFNS). Also called: NEUROFIBROMATOSIS WITH NOONAN PHENOTYPE. Identifiers: Orphanet 638, MedGen C2931482, MONDO:0011035, OMIM 601321. Disease mechanism: loss of function.

Allele frequency attached by ClinVar (database versions not stated): gnomAD exomes below 0.00001.
gnomAD v4.1: 1 of 1,613,446 alleles (0.000062%); highest among the groups gnomAD compares: Non-Finnish European, 0.000085%; no homozygotes.

Submissions (6):

GeneDx
Classification: Pathogenic. Last evaluated: 2026-08-20. Review status: criteria provided, single submitter. Criteria: GeneDx Variant Classification Process June 2021. Collection method: clinical testing. Allele origin: germline.
Comment: RNA studies demonstrate a damaging effect: in-frame deletion of exon 45 (also known as exon 37) (PMID: 21354044); Not observed at significant frequency in large population cohorts (gnomAD); Deletions involving coding exons of this gene are a known mechanism of disease (HGMD); This variant is associated with the following publications: (PMID: 16870183, 22925204, 21354044)

Institute of Medical Genetics and Applied Genomics, University Hospital Tübingen
Classification: Likely pathogenic for Neurofibromatosis-Noonan syndrome. Last evaluated: 2026-07-22. Review status: criteria provided, single submitter. Criteria: ACMG Guidelines, 2015. Collection method: clinical testing. Allele origin: germline. Inheritance: Autosomal dominant inheritance. Affected: yes.

Labcorp Genetics (formerly Invitae), Labcorp
Classification: Pathogenic for Neurofibromatosis, type 1. Last evaluated: 2025-08-28. Review status: criteria provided, single submitter. Criteria: Invitae Variant Classification Sherloc (09022015). Collection method: clinical testing. Allele origin: germline.
Comment: This sequence change affects codon 2267 of the NF1 mRNA. It is a 'silent' change, meaning that it does not change the encoded amino acid sequence of the NF1 protein. This variant is not present in population databases (gnomAD no frequency). This variant has been observed in individual(s) with neurofibromatosis type 1 (PMID: 21354044, 21520333; internal data). In at least one individual the variant was observed to be de novo. Invitae Evidence Modeling of clinical and family history, age, sex, and reported ancestry of multiple individuals with this NF1 variant has been performed. This variant is expected to be pathogenic with a positive predictive value of at least 99%. This is a validated machine learning model that incorporates the clinical features of 1,785,918 individuals referred to our laboratory for NF1 testing. ClinVar contains an entry for this variant (Variation ID: 420870). Studies have shown that this variant alters mRNA splicing and is expected to lead to the loss of protein expression (PMID: 21354044). For these reasons, this variant has been classified as Pathogenic.

NHS Central & South Genomic Laboratory Hub
Classification: Pathogenic for Neurofibromatosis type 1. Last evaluated: 2024-11-11. Review status: criteria provided, single submitter. Criteria: ACMG Guidelines, 2015. Collection method: clinical testing. Allele origin: germline. Affected: yes.

Genome Diagnostics Laboratory, The Hospital for Sick Children
Classification: Likely pathogenic for Neurofibromatosis, type 1. Last evaluated: 2024-08-15. Review status: criteria provided, single submitter. Criteria: ACMG Guidelines, 2015. Collection method: clinical testing. Allele origin: germline. Affected: yes.
Comment: This is a synonymous variant located in exon 45 of the NF1 gene. It has been reported previously in individuals with Neurofibromatosis type 1 (PMIDs: 21354044, 31694342). This variant has not been observed in population controls of the Genome Aggregation Database (gnomAD). Based on the evidence above, this variant is classified as likely pathogenic (ACMG criteria - PS4_Moderate, PM2, PP4, PP5).

Ambry Genetics
Classification: Pathogenic for Cardiovascular phenotype; Hereditary cancer-predisposing syndrome. Last evaluated: 2023-12-04. Review status: criteria provided, single submitter. Criteria: Ambry Variant Classification Scheme 2023. Collection method: clinical testing. Allele origin: germline.
Comment: The c.6801A>G variant (also known as p.Q2267Q), located in coding exon 45 of the NF1 gene, results from an A to G substitution at nucleotide position 6801. This nucleotide substitution does not change the codon at 2267 which makes it likely to have some effect on normal mRNA splicing. This variant has been reported in individuals who met NIH diagnostic criteria for neurofibromatosis type 1 (NF1) (Valero MC et al. J Mol Diagn, 2011 Mar;13:113-22; Tritto V et al. Genes (Basel), 2019 Nov;10:; Ambry internal data). This nucleotide position is not well conserved in available vertebrate species. In silico splice site analysis for this alteration is inconclusive. RNA functional studies have demonstrated that this variant is associated with in-frame skipping of coding exon 45 (Valero MC et al. J Mol Diagn, 2011 Mar;13:113-22; Ambry internal data). This variant is considered to be rare based on population cohorts in the Genome Aggregation Database (gnomAD). Based on the supporting evidence, this alteration is interpreted as a disease-causing mutation.

Literature cited by the submitters: PubMed 21354044 (cited by Labcorp Genetics (formerly Invitae), Labcorp); PubMed 21520333 (cited by Labcorp Genetics (formerly Invitae), Labcorp).